The following is an entry in ClinVar:

ClinVar aggregate classification (germline): Uncertain significance (1 of 4 stars; one submission).

Allele frequency attached by ClinVar (database versions not stated): gnomAD 0.00001; TOPMed 0.00002; ExAC 0.00015.

Submission:

Labcorp Genetics (formerly Invitae), Labcorp
Classification: Uncertain significance. Last evaluated: 2025-05-07. Review status: criteria provided, single submitter. Criteria: Invitae Variant Classification Sherloc (09022015). Collection method: clinical testing. Allele origin: germline.
Comment: This sequence change replaces proline, which is neutral and non-polar, with alanine, which is neutral and non-polar, at codon 903 of the BRD4 protein (p.Pro903Ala). This variant is present in population databases (rs781626942, gnomAD 0.06%), and has an allele count higher than expected for a pathogenic variant. This variant has not been reported in the literature in individuals affected with BRD4-related conditions. ClinVar contains an entry for this variant (Variation ID: 2428390). An algorithm developed to predict the effect of missense changes on protein structure and function (PolyPhen-2) suggests that this variant is likely to be disruptive. Algorithms developed to predict the effect of sequence changes on RNA splicing suggest that this variant may create or strengthen a splice site. In summary, the available evidence is currently insufficient to determine the role of this variant in disease. Therefore, it has been classified as a Variant of Uncertain Significance.

NM_001379291.1(BRD4):c.2707C>G (p.Pro903Ala)

Gene: BRD4 (bromodomain containing 4; minus strand). Cytogenetic location: 19p13.12.
Variant type: single nucleotide variant.
Coding change: c.2707C>G on transcript NM_001379291.1 (MANE Select); coding-DNA position 2707, C replaced by G.
Protein change: p.Pro903Ala; replaces proline 903 with alanine.
Molecular consequence: missense variant.
Genome position (GRCh38, 1-based): chr19:15,243,362, G>C on the plus strand (C>G on the coding strand, the complement: BRD4 is on the minus strand). VCF-style: chr19-15243362-G-C. GRCh37 (hg19) VCF-style: chr19-15354173-G-C.
Other names: c.2707C>G, p.Pro903Ala (NM_058243.3); short protein forms P903A.
Identifiers: ClinVar variation 2428390 (VCV002428390.5), dbSNP rs781626942, ClinGen allele CA9264888.